The following is an entry in ClinVar:

NM_001909.5(CTSD):c.1028G>A (p.Gly343Glu)

Gene: CTSD (cathepsin D; minus strand). Cytogenetic location: 11p15.5.
Variant type: single nucleotide variant.
Coding change: c.1028G>A on transcript NM_001909.5 (MANE Select); coding-DNA position 1028, G replaced by A.
Protein change: p.Gly343Glu; replaces glycine 343 with glutamic acid.
Molecular consequence: missense variant.
Genome position (GRCh38, 1-based): chr11:1,753,846, C>T on the plus strand (G>A on the coding strand, the complement: CTSD is on the minus strand). VCF-style: chr11-1753846-C-T. GRCh37 (hg19) VCF-style: chr11-1775076-C-T.
Other names: p.G343E:GGA>GAA; short protein forms G343E.
Identifiers: ClinVar variation 205362 (VCV000205362.9), dbSNP rs796052406, ClinGen allele CA314366.
Genomic context (GRCh38, chr11:1,753,846, plus strand): 5'-CCCCATTGCCCGCTCACCTTGAGCGTGTAGTCCTCTGGGGACAGCTTGTAGCCTTTGCCT[C>T]CCAGCTTCAGTGTGATCGCGGGCAGGGTGGACACCTTCTCACAGGGGATCATGTACTAAG-3'
Protein context (NP_001900.1, residues 333-353): STLPAITLKL[Gly343Glu]GKGYKLSPED

ClinVar aggregate classification (germline): Uncertain significance. Review status: criteria provided, multiple submitters, no conflicts (2 of 4 stars). 2 submissions from 2 submitters: Uncertain significance (2). Last evaluated 2020-09-21.

Conditions:
Neuronal ceroid lipofuscinosis. Also called: Neuronal Ceroid Lipofuscinoses. Identifiers: Orphanet 216, Orphanet 79263, MedGen C0027877, MONDO:0016295. Disease mechanism: loss of function.

Allele frequency attached by ClinVar (database versions not stated): gnomAD exomes below 0.00001; gnomAD 0.00001; TOPMed 0.00001.

Submissions (2):

GeneDx
Classification: Uncertain significance. Last evaluated: 2020-09-21. Review status: criteria provided, single submitter. Criteria: GeneDx Variant Classification Process June 2021. Collection method: clinical testing. Allele origin: germline. Affected: yes.
Comment: Not observed in large population cohorts (Lek et al., 2016); In silico analysis supports that this missense variant has a deleterious effect on protein structure/function; Has not been previously published as pathogenic or benign to our knowledge

Labcorp Genetics (formerly Invitae), Labcorp
Classification: Uncertain significance for Neuronal ceroid lipofuscinosis. Last evaluated: 2020-07-26. Review status: criteria provided, single submitter. Criteria: Invitae Variant Classification Sherloc (09022015). Collection method: clinical testing. Allele origin: germline.
Comment: In summary, the available evidence is currently insufficient to determine the role of this variant in disease. Therefore, it has been classified as a Variant of Uncertain Significance. Algorithms developed to predict the effect of missense changes on protein structure and function are either unavailable or do not agree on the potential impact of this missense change (SIFT: "Deleterious"; PolyPhen-2: "Possibly Damaging"; Align-GVGD: "Class C0"). This variant has not been reported in the literature in individuals with CTSD-related conditions. ClinVar contains an entry for this variant (Variation ID: 205362). This variant is not present in population databases (ExAC no frequency). This sequence change replaces glycine with glutamic acid at codon 343 of the CTSD protein (p.Gly343Glu). The glycine residue is highly conserved and there is a moderate physicochemical difference between glycine and glutamic acid.